The following is an entry in ClinVar:

ClinVar aggregate classification (germline): Uncertain significance (1 of 4 stars; one submission).

Conditions:
Hereditary cancer-predisposing syndrome. Also called: Neoplastic Syndromes, Hereditary; Tumor predisposition; Hereditary Cancer Syndrome; Hereditary neoplastic syndrome. Identifiers: Orphanet 140162, MedGen C0027672, MeSH D009386, MONDO:0015356.

Submission:

Ambry Genetics
Classification: Uncertain significance for Hereditary cancer-predisposing syndrome. Last evaluated: 2016-12-01. Review status: criteria provided, single submitter. Criteria: Ambry Variant Classification Scheme 2023. Collection method: clinical testing. Allele origin: germline.
Comment: The p.C790R variant (also known as c.2368T>C), located in coding exon 14 of the ATM gene, results from a T to C substitution at nucleotide position 2368. The cysteine at codon 790 is replaced by arginine, an amino acid with highly dissimilar properties. This amino acid position is well conserved in available vertebrate species. In addition, the in silico prediction for this alteration is inconclusive. Since supporting evidence is limited at this time, the clinical significance of this alteration remains unclear.

NM_000051.4(ATM):c.2368T>C (p.Cys790Arg)

Gene: ATM (ATM serine/threonine kinase; plus strand). Cytogenetic location: 11q22.3.
Variant type: single nucleotide variant.
Coding change: c.2368T>C on transcript NM_000051.4 (MANE Select); coding-DNA position 2368, T replaced by C.
Protein change: p.Cys790Arg; replaces cysteine 790 with arginine.
Molecular consequence: missense variant.
Genome position (GRCh38, 1-based): chr11:108,257,598, T>C. VCF-style: chr11-108257598-T-C. GRCh37 (hg19) VCF-style: chr11-108128325-T-C.
Other names: c.2368T>C, p.Cys790Arg (NM_001351834.2); short protein forms C790R.
Identifiers: ClinVar variation 482662 (VCV000482662.5), dbSNP rs1555075810, ClinGen allele CA382540373.
Genomic context (GRCh38, chr11:108,257,598, plus strand): 5'-GAATTCAGAATTGGTTCCTTGAGAAATATGATGCAGCTATGTACACGTTGCTTGAGCAAC[T>C]GTACCAAGGTAAGATTTTCTTCTTCTTGTTTTGTTTTTTGAGATAGGATCTTTCTCTGTC-3'
Protein context (NP_000042.3, residues 780-800): MQLCTRCLSN[Cys790Arg]TKKSPNKIAS